The following is an entry in ClinVar:

NM_001378789.1(CERS3):c.43T>A (p.Trp15Arg)

Gene: CERS3 (ceramide synthase 3; minus strand). Cytogenetic location: 15q26.3.
Variant type: single nucleotide variant.
Coding change: c.43T>A on transcript NM_001378789.1 (MANE Select); coding-DNA position 43, T replaced by A.
Protein change: p.Trp15Arg; replaces tryptophan 15 with arginine.
Molecular consequence: missense variant.
Genome position (GRCh38, 1-based): chr15:100,501,807, A>T on the plus strand (T>A on the coding strand, the complement: CERS3 is on the minus strand). VCF-style: chr15-100501807-A-T. GRCh37 (hg19) VCF-style: chr15-101042012-A-T.
Other names: c.76T>A, p.Trp26Arg (NM_001290341.2); c.43T>A, p.Trp15Arg (NM_001290342.2, NM_001290343.2, NM_178842.5); short protein forms W26R, W15R.
Identifiers: ClinVar variation 1451147 (VCV001451147.6), dbSNP rs762679102, ClinGen allele CA7759198.
Genomic context (GRCh38, chr15:100,501,807, plus strand): 5'-TTACAAAGACGAGTCCATCGTGATCCTCAAGATCTGACCACTTTATTGTTGGAGGAAGCC[A>T]GAATCTTTCCAACCAGAACCATTCTTTAAACGTCCAAAACATTCTAGAGAAATGGAAACA-3'
Protein context (NP_001365718.1, residues 5-25): FKEWFWLERF[Trp15Arg]LPPTIKWSDL

ClinVar aggregate classification (germline): Pathogenic (1 of 4 stars; one submission).

Allele frequency attached by ClinVar (database versions not stated): gnomAD exomes below 0.00001; ExAC 0.00001.
gnomAD v4.1: 4 of 1,614,198 alleles (0.00025%); highest among the groups gnomAD compares: Non-Finnish European, 0.00034%; no homozygotes.

Submission:

Labcorp Genetics (formerly Invitae), Labcorp
Classification: Pathogenic. Last evaluated: 2021-08-09. Review status: criteria provided, single submitter. Criteria: Invitae Variant Classification Sherloc (09022015). Collection method: clinical testing. Allele origin: germline.
Comment: This sequence change replaces tryptophan with arginine at codon 15 of the CERS3 protein (p.Trp15Arg). The tryptophan residue is highly conserved and there is a moderate physicochemical difference between tryptophan and arginine. This variant is present in population databases (rs762679102, ExAC 0.001%). This missense change has been observed in individual(s) with autosomal recessive congenital ichthyosis (PMID: 23549421). It has also been observed to segregate with disease in related individuals. Algorithms developed to predict the effect of missense changes on protein structure and function are either unavailable or do not agree on the potential impact of this missense change (SIFT: "Tolerated"; PolyPhen-2: "Probably Damaging"; Align-GVGD: "Class C0"). Experimental studies have shown that this missense change affects CERS3 function (PMID: 23549421). For these reasons, this variant has been classified as Pathogenic.

Literature cited by the submitters: PubMed 23549421.